The following is an entry in ClinVar:

NM_000360.4(TH):c.576G>A (p.Pro192=)

Gene: TH (tyrosine hydroxylase; minus strand). Cytogenetic location: 11p15.5.
Variant type: single nucleotide variant.
Coding change: c.576G>A on transcript NM_000360.4 (MANE Select); coding-DNA position 576, G replaced by A.
Protein change: p.Pro192=; no amino-acid change (proline 192 retained).
Molecular consequence: synonymous variant.
Genome position (GRCh38, 1-based): chr11:2,168,091, C>T on the plus strand (G>A on the coding strand, the complement: TH is on the minus strand). VCF-style: chr11-2168091-C-T. GRCh37 (hg19) VCF-style: chr11-2189321-C-T.
Other names: c.669G>A, p.Pro223= (NM_199292.3); c.657G>A, p.Pro219= (NM_199293.3).
Identifiers: ClinVar variation 574415 (VCV000574415.5), dbSNP rs201809787, ClinGen allele CA5818612.
Genomic context (GRCh38, chr11:2,168,091, plus strand): 5'-GGCTAAGGGTAGGGGATGTGATCAGGGGCAGGAGGCCTGAGTGAGGGGCGCACCACTCAC[C>T]GGGTGGTCCAAGTCCAGGTCAGGGTCGAACTTGGTGACCAGGTGATGACACTTGTCCAGC-3'
Protein context (NP_000351.2, residues 182-202): KFDPDLDLDH[Pro192=]GFSDQVYRQR

ClinVar aggregate classification (germline): Uncertain significance. Review status: criteria provided, multiple submitters, no conflicts (2 of 4 stars). 3 submissions from 3 submitters: Uncertain significance (2). 1 of the submissions does not count toward it. Last evaluated 2026-08-06.

Conditions:
TH-deficient dopa-responsive dystonia. Also called: DYT-TH; Tyrosine Hydroxylase-Deficient Dopa-Responsive Dystonia; Segawa syndrome, autosomal recessive. Identifiers: Orphanet 101150, MedGen C2673535, MONDO:0011551, OMIM 605407.

Allele frequency attached by ClinVar (database versions not stated): TOPMed 0.00005; gnomAD 0.00010; ESP Exome Variant Server 0.00008.
gnomAD v4.1: 64 of 1,612,940 alleles (0.004%); highest among the groups gnomAD compares: Admixed American, 0.0067%; no homozygotes.

Submissions (3):

OLLIN Analises Genomicas, OLLIN
Classification: Uncertain significance for TH-deficient dopa-responsive dystonia. Last evaluated: 2026-08-06. Review status: criteria provided, single submitter. Criteria: ACMG Guidelines 2015 PMID 25741868. Collection method: clinical testing. Allele origin: germline.
Comment: This synonymous variant, located in exon 4 (of 13), has been reported in ClinVar (accession VCV000574415.4) and in gnomAD with an allele frequency of 0.004%. However, to our knowledge, it has not been reported in the scientific literature. Although this variant does not alter the encoded amino acid, there is evidence that it affects splicing, potentially resulting in aberrant transcript processing, exon skipping, mRNA degradation via nonsense-mediated decay (NMD), or production of a truncated protein. There is at least one pathogenic variant reported at this same splicing site. According to the currently available evidence, this variant has been classified as uncertain significance (PS1_P, PP3, PM2_P).

Labcorp Genetics (formerly Invitae), Labcorp
Classification: Uncertain significance for TH-deficient dopa-responsive dystonia. Last evaluated: 2022-07-07. Review status: criteria provided, single submitter. Criteria: Invitae Variant Classification Sherloc (09022015). Collection method: clinical testing. Allele origin: germline.
Comment: This sequence change affects codon 223 of the TH mRNA. It is a 'silent' change, meaning that it does not change the encoded amino acid sequence of the TH protein. This variant also falls at the last nucleotide of exon 5, which is part of the consensus splice site for this exon. This variant is present in population databases (rs201809787, gnomAD 0.009%). This variant has not been reported in the literature in individuals affected with TH-related conditions. ClinVar contains an entry for this variant (Variation ID: 574415). Variants that disrupt the consensus splice site are a relatively common cause of aberrant splicing (PMID: 17576681, 9536098). Algorithms developed to predict the effect of sequence changes on RNA splicing suggest that this variant may create or strengthen a splice site. In summary, the available evidence is currently insufficient to determine the role of this variant in disease. Therefore, it has been classified as a Variant of Uncertain Significance.

Natera, Inc.
Classification: Uncertain significance for Autosomal recessive Segawa syndrome. Last evaluated: 2019-11-11. Review status: no assertion criteria provided. Collection method: clinical testing. Allele origin: germline. Not counted in ClinVar's aggregate classification.

Literature cited by the submitters: PubMed 17576681 (cited by Labcorp Genetics (formerly Invitae), Labcorp); PubMed 9536098 (cited by Labcorp Genetics (formerly Invitae), Labcorp).